The following is an entry in ClinVar:

ClinVar aggregate classification (germline): Uncertain significance. Review status: criteria provided, multiple submitters, no conflicts (2 of 4 stars). 3 submissions from 3 submitters: Uncertain significance (3). Last evaluated 2025-11-13.

Conditions:
Peroxisome biogenesis disorder 3A (Zellweger). Also called: Peroxisome biogenesis disorder 3A; PEROXISOMAL BIOGENESIS DISORDER 3A (ZELLWEGER). Identifiers: Orphanet 912, MedGen C3553929, MONDO:0013927, OMIM 614859.
Inborn genetic diseases. Identifiers: MedGen C0950123, MeSH D030342.

Allele frequency attached by ClinVar (database versions not stated): TOPMed below 0.00001.

Submissions (3):

Ambry Genetics
Classification: Uncertain significance for Inborn genetic diseases. Last evaluated: 2025-11-13. Review status: criteria provided, single submitter. Criteria: Ambry Variant Classification Scheme 2023. Collection method: clinical testing. Allele origin: germline.

Labcorp Genetics (formerly Invitae), Labcorp
Classification: Uncertain significance for Peroxisome biogenesis disorder 3A (Zellweger). Last evaluated: 2024-10-07. Review status: criteria provided, single submitter. Criteria: Invitae Variant Classification Sherloc (09022015). Collection method: clinical testing. Allele origin: germline.
Comment: This sequence change replaces leucine, which is neutral and non-polar, with valine, which is neutral and non-polar, at codon 247 of the PEX12 protein (p.Leu247Val). This variant is not present in population databases (gnomAD no frequency). This variant has not been reported in the literature in individuals affected with PEX12-related conditions. ClinVar contains an entry for this variant (Variation ID: 501543). Invitae Evidence Modeling of protein sequence and biophysical properties (such as structural, functional, and spatial information, amino acid conservation, physicochemical variation, residue mobility, and thermodynamic stability) indicates that this missense variant is not expected to disrupt PEX12 protein function with a negative predictive value of 80%. In summary, the available evidence is currently insufficient to determine the role of this variant in disease. Therefore, it has been classified as a Variant of Uncertain Significance.

Eurofins Ntd Llc (ga)
Classification: Uncertain significance. Last evaluated: 2017-04-18. Review status: criteria provided, single submitter. Criteria: EGL Classification Definitions 2015. Collection method: clinical testing. Allele origin: germline. Observed: 2 variant alleles, 2 heterozygotes.

NM_000286.3(PEX12):c.739C>G (p.Leu247Val)

Gene: PEX12 (peroxisomal biogenesis factor 12; minus strand). Cytogenetic location: 17q12.
Variant type: single nucleotide variant.
Coding change: c.739C>G on transcript NM_000286.3 (MANE Select); coding-DNA position 739, C replaced by G.
Protein change: p.Leu247Val; replaces leucine 247 with valine.
Molecular consequence: missense variant.
Genome position (GRCh38, 1-based): chr17:35,576,123, G>C on the plus strand (C>G on the coding strand, the complement: PEX12 is on the minus strand). VCF-style: chr17-35576123-G-C. GRCh37 (hg19) VCF-style: chr17-33903142-G-C.
Other names: c.739C>G (NM_000286.2); short protein forms L247V.
Identifiers: ClinVar variation 501543 (VCV000501543.9), dbSNP rs1030736075, ClinGen allele CA290068383.
Genomic context (GRCh38, chr17:35,576,123, plus strand): 5'-ATGAGTACCACCAGTCAAGGAACTGCAAGAAGAATACACCCACAGAAAGGCCAGTAGACA[G>C]GGATAAGGCAACACCCCCAACAGCTTTCTTCAGAGCTGAGTTTATCTTCTCACTAACACT-3'
Protein context (NP_000277.1, residues 237-257): KKAVGGVALS[Leu247Val]STGLSVGVFF